The following is an entry in ClinVar:

NM_020975.6(RET):c.758dup (p.Val254fs)

Gene: RET (ret proto-oncogene; plus strand). Cytogenetic location: 10q11.21.
Variant type: Duplication.
Coding change: c.758dup on transcript NM_020975.6 (MANE Select); coding-DNA position 758, one base duplicated (T; older notation c.758dupT).
Protein change: p.Val254fs; shifts the reading frame from valine 254.
Molecular consequence: frameshift variant. On other transcripts: 5 prime UTR variant (1), intron variant (22).
Genome position (GRCh38, 1-based): chr10:43,105,084, T duplicated. VCF-style (leftmost placement, unchanged base first): chr10-43105083-G-GT. GRCh37 (hg19) VCF-style: chr10-43600531-G-GT.
Other names: c.-5dup (NM_001355216.2); c.758dup, p.Val254fs (NM_001406743.1, NM_001406744.1, NM_001406759.1 and 6 more transcripts); c.629dup, p.Val211fs (NM_001406761.1, NM_001406762.1, NM_001406764.1 and 2 more transcripts); c.470dup, p.Val158fs (NM_001406766.1, NM_001406767.1, NM_001406770.1); c.625+2455dup (NM_001406773.1, NM_001406771.1, NM_001406782.1 and 5 more transcripts); c.496+2455dup (NM_001406786.1, NM_001406783.1); c.338-3947dup (NM_001406778.1, NM_001406775.1, NM_001406776.1 and 1 more transcripts); c.337+4362dup (NM_001406790.1, NM_001406788.1, NM_001406789.1 and 1 more transcripts); and 2 more; short protein forms V158fs, V254fs, V211fs.
Identifiers: ClinVar variation 3661014 (VCV003661014.2).

ClinVar aggregate classification (germline): Pathogenic (1 of 4 stars; one submission).

Conditions:
Multiple endocrine neoplasia, type 2 (MEN2). Identifiers: Orphanet 653, MedGen C4048306, MONDO:0019003. Disease mechanism: gain of function.

Submission:

Labcorp Genetics (formerly Invitae), Labcorp
Classification: Pathogenic for Multiple endocrine neoplasia, type 2. Last evaluated: 2024-07-31. Review status: criteria provided, single submitter. Criteria: Invitae Variant Classification Sherloc (09022015). Collection method: clinical testing. Allele origin: germline.
Comment: This sequence change creates a premature translational stop signal (p.Val254Glyfs*100) in the RET gene. It is expected to result in an absent or disrupted protein product. Loss-of-function variants in RET are known to be pathogenic (PMID: 22174939, 22648184). This variant is not present in population databases (gnomAD no frequency). This variant has not been reported in the literature in individuals affected with RET-related conditions. For these reasons, this variant has been classified as Pathogenic.

Literature cited by the submitters: PubMed 22174939; PubMed 22648184.